The following is an entry in ClinVar:

ClinVar aggregate classification (germline): Uncertain significance. Review status: criteria provided, single submitter (1 of 4 stars). 2 submissions from 2 submitters: Uncertain significance (1). 1 of the submissions does not count toward it. Last evaluated 2022-10-05.

Conditions:
LCT-related disorder. Also called: LCT-related condition.

Allele frequency attached by ClinVar (database versions not stated): gnomAD 0.00008 and 0.00009; gnomAD exomes 0.00008 and 0.00011; TOPMed 0.00009; ExAC 0.00010; ESP Exome Variant Server 0.00015.
gnomAD v4.1: 141 of 1,614,078 alleles (0.0087%); highest among the groups gnomAD compares: Middle Eastern, 0.41%; 1 homozygote.

Submissions (2):

Labcorp Genetics (formerly Invitae), Labcorp
Classification: Uncertain significance. Last evaluated: 2022-10-05. Review status: criteria provided, single submitter. Criteria: Invitae Variant Classification Sherloc (09022015). Collection method: clinical testing. Allele origin: germline.
Comment: This sequence change replaces alanine, which is neutral and non-polar, with threonine, which is neutral and polar, at codon 524 of the LCT protein (p.Ala524Thr). This variant is present in population databases (rs145926114, gnomAD 0.03%). This variant has not been reported in the literature in individuals affected with LCT-related conditions. ClinVar contains an entry for this variant (Variation ID: 1363741). Algorithms developed to predict the effect of missense changes on protein structure and function are either unavailable or do not agree on the potential impact of this missense change (SIFT: "Not Available"; PolyPhen-2: "Benign"; Align-GVGD: "Not Available"). In summary, the available evidence is currently insufficient to determine the role of this variant in disease. Therefore, it has been classified as a Variant of Uncertain Significance.

PreventionGenetics, part of Exact Sciences
Classification: Uncertain significance for LCT-related condition. Last evaluated: 2023-11-19. Review status: no assertion criteria provided. Collection method: clinical testing. Allele origin: germline. Not counted in ClinVar's aggregate classification.
Comment: The LCT c.1570G>A variant is predicted to result in the amino acid substitution p.Ala524Thr. To our knowledge, this variant has not been reported in the literature. This variant is reported in 0.028% of alleles in individuals of Latino descent in gnomAD. At this time, the clinical significance of this variant is uncertain due to the absence of conclusive functional and genetic evidence.

NM_002299.4(LCT):c.1570G>A (p.Ala524Thr)

Genes: LCT (lactase; minus strand), LOC126806353 (BRD4-independent group 4 enhancer GRCh37_chr2:136574960-136576159; plus strand). Cytogenetic location: 2q21.3.
Variant type: single nucleotide variant.
Coding change: c.1570G>A on transcript NM_002299.4 (MANE Select); coding-DNA position 1570, G replaced by A.
Protein change: p.Ala524Thr; replaces alanine 524 with threonine.
Molecular consequence: missense variant.
Genome position (GRCh38, 1-based): chr2:135,817,478, C>T on the plus strand (G>A on the coding strand, the complement: LCT is on the minus strand). VCF-style: chr2-135817478-C-T. GRCh37 (hg19) VCF-style: chr2-136575048-C-T.
Other names: c.1570G>A (NM_002299.3); short protein forms A524T.
Identifiers: ClinVar variation 1363741 (VCV001363741.7), dbSNP rs145926114, ClinGen allele CA1888373.